The following is an entry in ClinVar:

ClinVar aggregate classification (germline): Likely benign. Review status: criteria provided, multiple submitters, no conflicts (2 of 4 stars). 7 submissions from 7 submitters: Likely benign (6). 1 of the submissions does not count toward it. Last evaluated 2026-07-01.

Conditions:
Cardiovascular phenotype. Identifiers: MedGen CN230736.
Hereditary hemorrhagic telangiectasia (HHT). Also called: ORW DISEASE; Osler Weber Rendu syndrome; OSLER-RENDU-WEBER DISEASE; Osler hemorrhagic telangiectasia syndrome. Identifiers: Orphanet 774, MedGen C0039445, MONDO:0019180. Disease mechanism: loss of function.
ENG-related disorder. Also called: ENG-related condition; ENG-related disorders.
Telangiectasia, hereditary hemorrhagic, type 1 (HHT1). Also called: Osler Weber Rendu syndrome type 1; ENG-Related Hereditary Hemorrhagic Telangiectasia. Identifiers: Orphanet 774, MedGen C4551861, MONDO:0008535, OMIM 187300. Disease mechanism: loss of function.

Allele frequency attached by ClinVar (database versions not stated): TOPMed 0.00022; gnomAD 0.00026; ESP Exome Variant Server 0.00031; 1000 Genomes Project 0.00060; 1000 Genomes Project 30x 0.00062.
gnomAD v4.1: 785 of 1,613,980 alleles (0.049%); highest among the groups gnomAD compares: Admixed American, 0.067%; 3 homozygotes.

Submissions (7):

CeGaT Center for Human Genetics Tuebingen
Classification: Likely benign. Last evaluated: 2026-07-01. Review status: criteria provided, single submitter. Criteria: CeGaT Center For Human Genetics Tuebingen Variant Classification Criteria Version 2. Collection method: clinical testing. Allele origin: germline. Affected: yes. Observed: 1 variant allele.
Comment: ENG: BP4, BP7

Labcorp Genetics (formerly Invitae), Labcorp
Classification: Likely benign for Hereditary hemorrhagic telangiectasia. Last evaluated: 2026-01-07. Review status: criteria provided, single submitter. Criteria: Invitae Variant Classification Sherloc (09022015). Collection method: clinical testing. Allele origin: germline.

Mayo Clinic Laboratories, Mayo Clinic
Classification: Likely benign. Last evaluated: 2025-06-04. Review status: criteria provided, single submitter. Criteria: ACMG Guidelines, 2015. Collection method: clinical testing. Allele origin: germline. Observed: 1 variant allele.
Comment: BP4, BP7

Blueprint Genetics
Classification: Likely benign. Last evaluated: 2024-11-04. Review status: criteria provided, single submitter. Criteria: ACMG Guidelines, 2015. Collection method: clinical testing. Allele origin: germline.

Illumina Laboratory Services, Illumina
Classification: Likely benign for Telangiectasia, hereditary hemorrhagic, type 1. Last evaluated: 2018-01-12. Review status: criteria provided, single submitter. Criteria: ICSL Variant Classification Criteria 13 December 2019. Collection method: clinical testing. Allele origin: germline.
Comment: This variant was observed in the ICSL laboratory as part of a predisposition screen in an ostensibly healthy population. It had not been previously curated by ICSL or reported in the Human Gene Mutation Database (HGMD: prior to June 1st, 2018), and was therefore a candidate for classification through an automated scoring system. Utilizing variant allele frequency, disease prevalence and penetrance estimates, and inheritance mode, an automated score was calculated to assess if this variant is too frequent to cause the disease. Based on the score and internal cut-off values, a variant classified as likely benign is not then subjected to further curation. The score for this variant resulted in a classification of likely benign for this disease.

Ambry Genetics
Classification: Likely benign for Cardiovascular phenotype. Last evaluated: 2017-01-13. Review status: criteria provided, single submitter. Criteria: Ambry Variant Classification Scheme 2023. Collection method: clinical testing. Allele origin: germline.

PreventionGenetics, part of Exact Sciences
Classification: Likely benign for ENG-related condition. Last evaluated: 2020-11-09. Review status: no assertion criteria provided. Collection method: clinical testing. Allele origin: germline. Not counted in ClinVar's aggregate classification.
Comment: This variant is classified as likely benign based on ACMG/AMP sequence variant interpretation guidelines (Richards et al. 2015 PMID: 25741868, with internal and published modifications).

NM_001114753.3(ENG):c.1095C>T (p.Asp365=)

Gene: ENG (endoglin; minus strand). Cytogenetic location: 9q34.11.
Variant type: single nucleotide variant.
Coding change: c.1095C>T on transcript NM_001114753.3 (MANE Select); coding-DNA position 1095, C replaced by T.
Protein change: p.Asp365=; no amino-acid change (aspartic acid 365 retained).
Molecular consequence: synonymous variant.
Genome position (GRCh38, 1-based): chr9:127,824,343, G>A on the plus strand (C>T on the coding strand, the complement: ENG is on the minus strand). VCF-style: chr9-127824343-G-A. GRCh37 (hg19) VCF-style: chr9-130586622-G-A.
Other names: p.Asp365=; c.1095C>T, p.Asp365= (NM_000118.4, NM_001406715.1); c.549C>T, p.Asp183= (NM_001278138.2).
Identifiers: ClinVar variation 365089 (VCV000365089.23), dbSNP rs142803546, ClinGen allele CA5252884.